The following is an entry in ClinVar:

ClinVar aggregate classification (germline): Benign (1 of 4 stars; one submission).

Conditions:
Hypercholanemia, familial 1 (FHCA1). Identifiers: Orphanet 238475, MedGen C5542604, MONDO:0031446, OMIM 607748.

Allele frequency attached by ClinVar (database versions not stated): 1000 Genomes Project 0.00779; gnomAD 0.00842 and 0.00912; 1000 Genomes Project 30x 0.00843; TOPMed 0.00972.

Submissions (2):

Illumina Laboratory Services, Illumina
Classification: Benign for Hypercholanemia, familial 1. Last evaluated: 2018-01-12. Review status: criteria provided, single submitter. Criteria: ICSL Variant Classification Criteria 13 December 2019. Collection method: clinical testing. Allele origin: germline.
Comment: This variant was observed in the ICSL laboratory as part of a predisposition screen in an ostensibly healthy population. It had not been previously curated by ICSL or reported in the Human Gene Mutation Database (HGMD: prior to June 1st, 2018), and was therefore a candidate for classification through an automated scoring system. Utilizing variant allele frequency, disease prevalence and penetrance estimates, and inheritance mode, an automated score was calculated to assess if this variant is too frequent to cause the disease. Based on the score and internal cut-off values, a variant classified as benign is not then subjected to further curation. The score for this variant resulted in a classification of benign for this disease.

Dr. Peter K. Rogan Lab, Western University
No classification provided (evidence only). Condition: Thymoma. Review status: no classification provided. Collection method: in vitro. Allele origin: not applicable. Functional consequence: retained intron. Not counted in ClinVar's aggregate classification.

NM_001701.4(BAAT):c.*955A>G

Gene: BAAT (bile acid-CoA:amino acid N-acyltransferase; minus strand). Cytogenetic location: 9q31.1.
Variant type: single nucleotide variant.
Coding change: c.*955A>G on transcript NM_001701.4 (MANE Select); 955 bases downstream of the stop codon, A replaced by G.
Molecular consequence: 3 prime UTR variant.
Genome position (GRCh38, 1-based): chr9:101,361,473, T>C on the plus strand (A>G on the coding strand, the complement: BAAT is on the minus strand). VCF-style: chr9-101361473-T-C. GRCh37 (hg19) VCF-style: chr9-104123755-T-C.
Other names: NC_000009.11:g.104123755T>C; c.*955A>G (NM_001127610.2, NM_001374715.1).
Identifiers: ClinVar variation 364266 (VCV000364266.6), dbSNP rs41301517, ClinGen allele CA10626071.